The following is an entry in ClinVar:

NM_001458.5(FLNC):c.4699C>T (p.Arg1567Trp)

Gene: FLNC (filamin C; plus strand). Cytogenetic location: 7q32.1.
Variant type: single nucleotide variant.
Coding change: c.4699C>T on transcript NM_001458.5 (MANE Select); coding-DNA position 4699, C replaced by T.
Protein change: p.Arg1567Trp; replaces arginine 1567 with tryptophan.
Molecular consequence: missense variant.
Genome position (GRCh38, 1-based): chr7:128,848,679, C>T. VCF-style: chr7-128848679-C-T. GRCh37 (hg19) VCF-style: chr7-128488733-C-T.
Other names: c.4699C>T, p.Arg1567Trp (NM_001127487.2); short protein forms R1567W.
Identifiers: ClinVar variation 639563 (VCV000639563.12), dbSNP rs369842920, ClinGen allele CA166184134.
Genomic context (GRCh38, chr7:128,848,679, plus strand): 5'-CCAGGCCTCAACGCCTCTGGCATCCCTGCCAGCCTGCCTGTGGAGTTCACCATCGACGCA[C>T]GGGACGCGGGCGAGGGGTTGCTCACTGTCCAGATCTTGGTGAGTCTCTGTGCATCCCACC-3'
Protein context (NP_001449.3, residues 1557-1577): SLPVEFTIDA[Arg1567Trp]DAGEGLLTVQ

ClinVar aggregate classification (germline): Conflicting classifications of pathogenicity. Review status: criteria provided, conflicting classifications (1 of 4 stars). 3 submissions from 3 submitters: Uncertain significance (2); Likely benign (1). Last evaluated 2025-05-30.

Conditions:
Myofibrillar myopathy 5. Also called: FILAMINOPATHY, AUTOSOMAL DOMINANT; Filaminopathy (type). Identifiers: Orphanet 171445, MedGen C1836050, MONDO:0012289, OMIM 609524.
Distal myopathy with posterior leg and anterior hand involvement. Also called: WILLIAMS DISTAL MYOPATHY. Identifiers: Orphanet 63273, MedGen C3279722, MONDO:0013550, OMIM 614065.
Hypertrophic cardiomyopathy 26. Also called: Cardiomyopathy, familial hypertrophic, 26. Identifiers: Orphanet 75249, MedGen C4310749, MONDO:0014883, OMIM 617047.
Cardiovascular phenotype. Identifiers: MedGen CN230736.

Allele frequency attached by ClinVar (database versions not stated): TOPMed 0.00001; gnomAD 0.00002; gnomAD exomes 0.00002; ESP Exome Variant Server 0.00008.

Submissions (3):

Labcorp Genetics (formerly Invitae), Labcorp
Classification: Likely benign for Distal myopathy with posterior leg and anterior hand involvement; Myofibrillar myopathy 5; Hypertrophic cardiomyopathy 26. Last evaluated: 2025-05-30. Review status: criteria provided, single submitter. Criteria: Invitae Variant Classification Sherloc (09022015). Collection method: clinical testing. Allele origin: germline.

Ambry Genetics
Classification: Uncertain significance for Cardiovascular phenotype. Last evaluated: 2023-06-03. Review status: criteria provided, single submitter. Criteria: Ambry Variant Classification Scheme 2023. Collection method: clinical testing. Allele origin: germline.
Comment: The p.R1567W variant (also known as c.4699C>T), located in coding exon 27 of the FLNC gene, results from a C to T substitution at nucleotide position 4699. The arginine at codon 1567 is replaced by tryptophan, an amino acid with dissimilar properties. This amino acid position is conserved. In addition, the in silico prediction for this alteration is inconclusive. Since supporting evidence is limited at this time, the clinical significance of this alteration remains unclear.

Fulgent Genetics
Classification: Uncertain significance for Myofibrillar myopathy 5; Distal myopathy with posterior leg and anterior hand involvement; Hypertrophic cardiomyopathy 26. Last evaluated: 2021-09-28. Review status: criteria provided, single submitter. Criteria: ACMG Guidelines, 2015. Collection method: clinical testing. Allele origin: unknown.